The following is an entry in ClinVar:

NM_058216.3(RAD51C):c.34C>T (p.Arg12Trp)

Gene: RAD51C (RAD51 paralog C; plus strand). Cytogenetic location: 17q22.
Variant type: single nucleotide variant.
Coding change: c.34C>T on transcript NM_058216.3 (MANE Select); coding-DNA position 34, C replaced by T.
Protein change: p.Arg12Trp; replaces arginine 12 with tryptophan.
Molecular consequence: missense variant. On other transcripts: non-coding transcript variant (2).
Genome position (GRCh38, 1-based): chr17:58,692,677, C>T. VCF-style: chr17-58692677-C-T. GRCh37 (hg19) VCF-style: chr17-56770038-C-T.
Other names: c.34C>T, p.Arg12Trp (NM_002876.4); short protein forms R12W.
Identifiers: ClinVar variation 409837 (VCV000409837.33), dbSNP rs28910276, ClinGen allele CA8677126.

ClinVar aggregate classification (germline): Conflicting classifications of pathogenicity. Review status: criteria provided, conflicting classifications (1 of 4 stars). 9 submissions from 9 submitters: Uncertain significance (8); Likely benign (1). Last evaluated 2025-11-18.

Conditions:
Fanconi anemia complementation group O. Also called: RAD51C-Related Fanconi Anemia. Identifiers: Orphanet 84, MedGen C3150653, MONDO:0013248, OMIM 613390.
Breast-ovarian cancer, familial, susceptibility to, 3. Also called: RAD51C-Related Breast/Ovarian Cancer. Identifiers: Orphanet 145, MedGen C3150659, MONDO:0013253, OMIM 613399.
Hereditary cancer-predisposing syndrome. Also called: Hereditary neoplastic syndrome; Neoplastic Syndromes, Hereditary; Tumor predisposition; Hereditary Cancer Syndrome. Identifiers: Orphanet 140162, MedGen C0027672, MeSH D009386, MONDO:0015356.

Allele frequency attached by ClinVar (database versions not stated): ExAC 0.00001; gnomAD 0.00004; TOPMed 0.00004; ESP Exome Variant Server 0.00015.
gnomAD v4.1: 13 of 1,614,102 alleles (0.00081%); highest among the groups gnomAD compares: African/African-American, 0.0093%; 1 homozygote.

Submissions (9):

Labcorp Genetics (formerly Invitae), Labcorp
Classification: Uncertain significance for Fanconi anemia complementation group O. Last evaluated: 2025-11-18. Review status: criteria provided, single submitter. Criteria: Invitae Variant Classification Sherloc (09022015). Collection method: clinical testing. Allele origin: germline.
Comment: This sequence change replaces arginine, which is basic and polar, with tryptophan, which is neutral and slightly polar, at codon 12 of the RAD51C protein (p.Arg12Trp). The frequency data for this variant in the population databases is considered unreliable, as metrics indicate poor data quality at this position in the gnomAD database. This missense change has been observed in individual(s) with breast cancer (PMID: 21537932). ClinVar contains an entry for this variant (Variation ID: 409837). An algorithm developed to predict the effect of missense changes on protein structure and function (PolyPhen-2) suggests that this variant is likely to be disruptive. In summary, the available evidence is currently insufficient to determine the role of this variant in disease. Therefore, it has been classified as a Variant of Uncertain Significance.

Ambry Genetics
Classification: Likely benign for Hereditary cancer-predisposing syndrome. Last evaluated: 2025-09-24. Review status: criteria provided, single submitter. Criteria: Ambry Variant Classification Scheme 2023. Collection method: clinical testing. Allele origin: germline.

Molecular Diagnostics Laboratory, Catalan Institute of Oncology
Classification: Uncertain significance for Hereditary cancer-predisposing syndrome. Last evaluated: 2025-08-19. Review status: criteria provided, single submitter. Criteria: ACMG Guidelines, 2015. Collection method: clinical testing. Allele origin: germline.
Comment: PS3_Supporting, PM2_Supporting c.34C>T, located in exon 1 of the RAD51C gene, is predicted to result in the substitution of arginine with tryptophan at codon 12, p.(Arg12Trp). This variant is found in 3/268330 alleles at a frequency of 0.0011% in the gnomAD v2.1.1 database, non-cancer dataset (PM2_Supporting). The SpliceAI algorithm results in a non-informative deltascore (Donor gain score = 0.13) for the effect of this variant on splicing; similarly, the REVEL meta-predictor score for this variant (0.371) is indeterminate regarding the effect that it may have on protein function according to Pejaver 2022 thresholds (PMID: 36413997). Functional assays have demonstrated that this variant exhibits intermediate homologous recombination (HR) repair activity and reduced protein-protein interaction with XRCC3, a RAD51 paralog (PMID: 36099300) (PS3_Supporting). To our knowledge, no relevant clinical data have been reported for this variant. In addition, it has only been reported in ClinVar (7x uncertain significance). Based on the currently available evidence, c.34C>T is classified as an uncertain significance variant according to ACMG guidelines.

Quest Diagnostics Nichols Institute San Juan Capistrano
Classification: Uncertain significance. Last evaluated: 2025-07-23. Review status: criteria provided, single submitter. Criteria: Quest Diagnostics criteria. Collection method: clinical testing. Allele origin: unknown.
Comment: The RAD51C c.34C>T (p.Arg12Trp) variant has been reported in the published literature in an individual with breast cancer (PMID: 21537932 (2011)), as well as another individual with breast cancer and family history of breast, colorectal, and lung cancers (PMID: 34570441 (2021)). The frequency of this variant in the general population (Genome Aggregation Database) is uninformative in the assessment of its pathogenicity. Analysis of this variant using bioinformatics tools for the prediction of the effect of amino acid changes on protein structure and function yielded conflicting predictions that this variant is benign or damaging. Based on the available information, we are unable to determine the clinical significance of this variant.

St. Jude Molecular Pathology, St. Jude Children's Research Hospital
Classification: Uncertain significance for Breast-ovarian cancer, familial, susceptibility to, 3. Last evaluated: 2024-08-22. Review status: criteria provided, single submitter. Criteria: St. Jude Assertion Criteria 2020. Collection method: clinical testing. Allele origin: germline.
Comment: The RAD51C c.34C>T (p.Arg12Trp) missense change has a maximum subpopulation frequency of 0.008% in gnomAD v2.1.1. The in silico tool REVEL is inconclusive about a pathogenic or benign effect of this variant on protein function. This variant was investigated in a case control study of 81 patients with head and neck cancer and 156 healthy control individuals (PMID: 24631219) and a study of 132 breast cancer cases and 189 healthy control individuals (PMID: 31905201); however, it was not observed in any cases or controls. In summary, the evidence currently available is insufficient to determine the clinical significance of this variant. It has therefore been classified as of uncertain significance.

Color Diagnostics, LLC DBA Color Health
Classification: Uncertain significance for Hereditary cancer-predisposing syndrome. Last evaluated: 2024-02-28. Review status: criteria provided, single submitter. Criteria: ACMG Guidelines, 2015. Collection method: clinical testing. Allele origin: germline.
Comment: This missense variant replaces arginine with tryptophan at codon 12 of the RAD51C protein. Computational prediction suggests that this variant may not impact protein structure and function. Functional studies have shown that this variant reduced homologous recombination activity (PMID: 36099300). This variant has been reported in an individual affected with breast cancer (PMID: 34570441). This variant has been identified in 2/251456 chromosomes in the general population by the Genome Aggregation Database (gnomAD). The available evidence is insufficient to determine the role of this variant in disease conclusively. Therefore, this variant is classified as a Variant of Uncertain Significance.

GeneDx
Classification: Uncertain significance. Last evaluated: 2024-01-26. Review status: criteria provided, single submitter. Criteria: GeneDx Variant Classification Process June 2021. Collection method: clinical testing. Allele origin: germline. Affected: yes.
Comment: Not observed at significant frequency in large population cohorts (gnomAD); In silico analysis supports that this missense variant has a deleterious effect on protein structure/function; Published functional studies are inconclusive: moderately deficient homologous recombination activity and impaired protein-protein interactions (PMID: 36099300); This variant is associated with the following publications: (PMID: 24631219, 21537932, 36099300)

Baylor Genetics
Classification: Uncertain significance for Breast-ovarian cancer, familial, susceptibility to, 3. Last evaluated: 2023-11-18. Review status: criteria provided, single submitter. Criteria: ACMG Guidelines, 2015. Collection method: clinical testing. Allele origin: unknown.

Sema4
Classification: Uncertain significance for Hereditary cancer-predisposing syndrome. Last evaluated: 2022-02-07. Review status: criteria provided, single submitter. Criteria: Sema4 Curation Guidelines. Collection method: curation. Allele origin: germline.
Comment: The RAD51C c.34C>T (p.R12W) variant has not been reported in the literature to our knowledge. This variant was observed in 2/24964 chromosomes in the African/African American population according to the Genome Aggregation Database (PMID: 32461654). This variant has been reported in ClinVar (Variation ID: 409837). Functional studies have not been performed, and in silico predictions of the variant's effect on protein function are inconclusive. The evidence is insufficient to meet ACMG/AMP criteria for classifying the variant as benign or pathogenic. Based on the current evidence available, this variant is interpreted as a variant of uncertain significance.

Literature cited by the submitters: PubMed 21537932 (cited by 3 submitters); PubMed 24631219 (cited by Ambry Genetics and Quest Diagnostics Nichols Institute San Juan Capistrano); PubMed 37253112 (cited by Quest Diagnostics Nichols Institute San Juan Capistrano); PubMed 36099300 (cited by Quest Diagnostics Nichols Institute San Juan Capistrano and Color Diagnostics, LLC DBA Color Health); PubMed 34570441 (cited by Quest Diagnostics Nichols Institute San Juan Capistrano and Color Diagnostics, LLC DBA Color Health).